The following is an entry in ClinVar:

ClinVar aggregate classification (germline): Pathogenic. Review status: criteria provided, multiple submitters, no conflicts (2 of 4 stars). 7 submissions from 7 submitters: Pathogenic (6). 1 of the submissions does not count toward it. Last evaluated 2026-01-19.

Conditions:
Glycogen storage disease IIIa (GSD IIIa). Also called: Glycogen Storage Disease Type IIIa (GSD IIIa). Identifiers: MedGen C1968739.
Glycogen storage disease type III (GSD3). Also called: FORBES DISEASE; Cori disease. Identifiers: Orphanet 366, MedGen C0017922, MONDO:0009291, OMIM 232400.

Allele frequency attached by ClinVar (database versions not stated): gnomAD 0.00001; gnomAD exomes 0.00001 and 0.00002.
gnomAD v4.1: 29 of 1,610,292 alleles (0.0018%); highest among the groups gnomAD compares: Non-Finnish European, 0.0024%; no homozygotes.

Submissions (7):

Labcorp Genetics (formerly Invitae), Labcorp
Classification: Pathogenic for Glycogen storage disease type III. Last evaluated: 2026-01-19. Review status: criteria provided, single submitter. Criteria: Invitae Variant Classification Sherloc (09022015). Collection method: clinical testing. Allele origin: germline.
Comment: This sequence change affects an acceptor splice site in intron 17 of the AGL gene. It is expected to disrupt RNA splicing. Variants that disrupt the donor or acceptor splice site typically lead to a loss of protein function (PMID: 16199547), and loss-of-function variants in AGL are known to be pathogenic (PMID: 19299494). This variant is present in population databases (rs786204481, gnomAD 0.002%). Disruption of this splice site has been observed in individuals with glycogen storage disease III (PMID: 20648714, 27460348, 34820282). ClinVar contains an entry for this variant (Variation ID: 188804). Algorithms developed to predict the effect of sequence changes on RNA splicing suggest that this variant may disrupt the consensus splice site. For these reasons, this variant has been classified as Pathogenic.

Victorian Clinical Genetics Services, Murdoch Childrens Research Institute
Classification: Pathogenic for Glycogen storage disease type III. Last evaluated: 2025-05-06. Review status: criteria provided, single submitter. Criteria: ACMG Guidelines, 2015. Collection method: clinical testing. Allele origin: germline.
Comment: This variant is classified as Pathogenic. Evidence in support of pathogenic classification: Canonical splice site variant without proven consequence on splicing (no functional evidence available); Variant is present in gnomAD <0.01 for a recessive condition (v4: 29 heterozygote(s), 0 homozygote(s)) ; This variant has strong previous evidence of pathogenicity in unrelated individuals. This variant has been classified pathogenic by clinical laboratories (ClinVar) and has been identified compound heterozygous in four unrelated individuals with glycogen storage disease type IIIa (PMID:34820282); Abnormal splicing is predicted by in silico tool and affected nucleotide is highly conserved. Additional information: This variant is heterozygous; This gene is associated with autosomal recessive disease; Loss of function is a known mechanism of disease in this gene and is associated with Glycogen storage disease IIIa (MIM#232400) and Glycogen storage disease IIIb (MIM#232400).

Natera, Inc.
Classification: Pathogenic for Glycogen storage disease type III. Last evaluated: 2025-04-10. Review status: criteria provided, single submitter. Criteria: Natera Variant Classification Schema (03/2026). Collection method: clinical testing. Allele origin: germline.
Comment: The c.2309-1G>A variant in AGL is a canonical splice acceptor site variant predicted to affect pre-mRNA splicing, which may result in an abnormal transcript and altered protein product. This variant is expected to result in nonsense mediated decay, truncation, or a dysfunctional protein product. This variant is rare in the general population with a frequency below the threshold expected for the associated phenotype(s). This variant has been observed in one or more individuals affected with the associated recessive disease, as either homozygous or compound heterozygous with a second variant (PMID: 27460348). Given the available evidence, this variant is classified as Pathogenic.

Baylor Genetics
Classification: Pathogenic for Glycogen storage disease type III. Last evaluated: 2022-12-10. Review status: criteria provided, single submitter. Criteria: ACMG Guidelines, 2015. Collection method: clinical testing. Allele origin: unknown.

Genome-Nilou Lab
Classification: Pathogenic for Glycogen storage disease type III. Last evaluated: 2021-07-15. Review status: criteria provided, single submitter. Criteria: ACMG Guidelines, 2015. Collection method: clinical testing. Allele origin: germline. Affected: no.

Women's Health and Genetics/Laboratory Corporation of America, LabCorp
Classification: Pathogenic for Glycogen storage disease IIIa. Last evaluated: 2017-08-13. Review status: criteria provided, single submitter. Criteria: LabCorp Variant Classification Summary - May 2015. Collection method: clinical testing. Allele origin: germline.
Comment: Variant summary: The c.2309-1G>A (aka IVS17-1G>A) in a AGL gene is a splice-site variant that alters a highly conserved nucleotide. 5/5 in silico tools via Alamut predict this variant to disrupt a canonical acceptor sequence, however these predictions have yet to be confirmed by functional assay. The variant is absent from control dataset of ExAC (~120120 chrs tested), but is present at a low frequency in gnomAD dataset (2/245384 chrs tested). The observed frequency does not exceed the maximum expected allele frequency for a pathogenic variant of 0.00228. The variant has been reported in affected individuals with enzymatically confirmed dx of GSDIII via publications and is cited as Likely Pathogenic by a reputable database/clinical laboratory. Taken together, the variant was classified as Pathogenic.

Counsyl
Classification: Likely pathogenic for Glycogen storage disease type III. Last evaluated: 2014-05-27. Review status: no assertion criteria provided. Collection method: literature only. Allele origin: unknown. Inheritance: Autosomal recessive inheritance. Not counted in ClinVar's aggregate classification.

Literature cited by the submitters: PubMed 16199547 (cited by Labcorp Genetics (formerly Invitae), Labcorp); PubMed 19299494 (cited by Labcorp Genetics (formerly Invitae), Labcorp); PubMed 20648714 (cited by 3 submitters); PubMed 27460348 (cited by 3 submitters); PubMed 34820282 (cited by Labcorp Genetics (formerly Invitae), Labcorp and Victorian Clinical Genetics Services, Murdoch Childrens Research Institute).

NM_000642.3(AGL):c.2309-1G>A

Gene: AGL (amylo-alpha-1,6-glucosidase and 4-alpha-glucanotransferase; plus strand). Cytogenetic location: 1p21.2.
Variant type: single nucleotide variant.
Coding change: c.2309-1G>A on transcript NM_000642.3 (MANE Select); the canonical splice acceptor site of the intron before coding-DNA position 2309, G replaced by A.
Molecular consequence: splice acceptor variant.
Genome position (GRCh38, 1-based): chr1:99,884,119, G>A. VCF-style: chr1-99884119-G-A. GRCh37 (hg19) VCF-style: chr1-100349675-G-A.
Other names: c.2309-1G>A (NM_000643.3, NM_000644.3, NM_001425326.1 and 2 more transcripts); c.2261-1G>A (NM_000646.3); c.2108-1G>A (NM_001425327.1); c.2105-1G>A (NM_001425328.1, NM_001425329.1); c.1931-1G>A (NM_001425332.1).
Identifiers: ClinVar variation 188804 (VCV000188804.18), dbSNP rs786204481, ClinGen allele CA273983.